The following is an entry in ClinVar:

ClinVar aggregate classification (germline): Pathogenic. Review status: criteria provided, multiple submitters, no conflicts (2 of 4 stars). 38 submissions from 37 submitters: Pathogenic (35). 3 of the submissions do not count toward it. Last evaluated 2026-07-31.

Conditions:
Fetal anomalies with a likely genetic cause.
DOK7-related disorder. Also called: DOK7-related condition.
DOK7-related disorders.
Fetal akinesia deformation sequence 3. Identifiers: MedGen C4760599, MONDO:0100103, OMIM 618389.
Congenital myasthenic syndrome 10. Also called: Myasthenia, limb-girdle, familial. Identifiers: Orphanet 590, MedGen C1850792, MONDO:0009690, OMIM 254300.
Ritscher-Schinzel syndrome 2. Identifiers: Orphanet 7, MedGen C4225419, MONDO:0010499, OMIM 300963.
Inborn genetic diseases. Identifiers: MedGen C0950123, MeSH D030342.
Fetal akinesia deformation sequence 1 (FADS1). Also called: Pena-Shokeir syndrome type I; Fetal akinesia sequence. Identifiers: Orphanet 994, MedGen C1276035, MONDO:0100101, OMIM 208150, HP:0001989.
Congenital myasthenic syndrome (CMS). Also called: Congenital Myasthenic Syndromes. Identifiers: Orphanet 590, MedGen C0751882, MeSH D020294, MONDO:0018940.

Submissions 1 to 16 of 38:

PreventionGenetics, part of Exact Sciences
Classification: Pathogenic for DOK7-related condition. Last evaluated: 2026-07-31. Review status: criteria provided, single submitter. Criteria: ACMG Guidelines, 2015. Collection method: clinical testing. Allele origin: germline.
Comment: The DOK7 c.1124_1127dupTGCC variant is predicted to result in a frameshift and premature protein termination (p.Ala378Serfs*30). This variant has been reported in many unrelated individuals to be causative for autosomal recessive congenital myasthenic syndrome (Beeson et al. 2006. PubMed ID: 16917026; Cossins et al. 2012. PubMed ID: 22661499; Natera-de Benito et al. 2017. PubMed ID: 29054425). This variant is reported in 0.12% of alleles in individuals of European (Non-Finnish) descent in gnomAD. Frameshift variants in DOK7 are expected to be pathogenic. This variant is interpreted as pathogenic.

CeGaT Center for Human Genetics Tuebingen
Classification: Pathogenic. Last evaluated: 2026-04-01. Review status: criteria provided, single submitter. Criteria: CeGaT Center For Human Genetics Tuebingen Variant Classification Criteria Version 2. Collection method: clinical testing. Allele origin: germline. Affected: yes. Observed: 10 variant alleles.
Comment: DOK7: PM3:Very Strong, PP1:Strong, PVS1:Strong, PM2:Supporting

Dasa
Classification: Pathogenic. Last evaluated: 2026-03-18. Review status: criteria provided, single submitter. Criteria: DASA Assertion Criteria. Collection method: clinical testing. Allele origin: germline.
Comment: NM_173660.5(DOK7):c.1124_1127dup (p.Ala378fs) is a frameshift variant in DOK7 predicted to alter the reading frame and introduce a premature termination codon and is predicted to result in an absent or altered protein product. Loss of function is an established disease mechanism for DOK7-associated disorders. Segregation data support an association with disease in the reported family/families (PMID: 18165682). This variant has been reported in individuals with DOK7-related disorders (PMID: 18165682). Functional evidence supports an impact on the gene or gene product. Also, this variant is rare in population databases. Based on the currently available evidence, this variant is classified as pathogenic.

Genetics Laboratory, Great Ormond Street Hospital NHS Foundation Trust, North Thames Genomic Laboratory Hub
Classification: Pathogenic for Fetal anomalies with a likely genetic cause. Last evaluated: 2026-03-10. Review status: criteria provided, single submitter. Criteria: ACGS Best Practice Guidelines for Variant Classification in Rare Disease 2024 v1.2. Collection method: clinical testing. Allele origin: germline. Affected: yes.
Comment: PVS1_strong, PM3_very-strong

Labcorp Genetics (formerly Invitae), Labcorp
Classification: Pathogenic for Congenital myasthenic syndrome 10; Fetal akinesia deformation sequence 1. Last evaluated: 2026-02-02. Review status: criteria provided, single submitter. Criteria: Invitae Variant Classification Sherloc (09022015). Collection method: clinical testing. Allele origin: germline.
Comment: This sequence change creates a premature translational stop signal (p.Ala378Serfs*30) in the DOK7 gene. While this is not anticipated to result in nonsense mediated decay, it is expected to disrupt the last 127 amino acid(s) of the DOK7 protein. This variant is present in population databases (rs764365793, gnomAD 0.1%), and has an allele count higher than expected for a pathogenic variant. This premature translational stop signal has been observed in individual(s) with congenital myasthenic syndrome (PMID: 16917026, 17452375, 18626973, 20012313, 20458068, 22661499, 23219351, 23790237). ClinVar contains an entry for this variant (Variation ID: 1273). Algorithms developed to predict the effect of variants on gene product structure and function are not available or were not evaluated for this variant. Experimental studies have shown that this premature translational stop signal affects DOK7 function (PMID: 2261499, 16917026, 18165682, 18626973, 25237101). For these reasons, this variant has been classified as Pathogenic.

Genomic Medicine Center of Excellence, King Faisal Specialist Hospital and Research Centre
Classification: Pathogenic for Ritscher-Schinzel syndrome 2. Last evaluated: 2025-09-10. Review status: criteria provided, single submitter. Criteria: ACMG Guidelines, 2015. Collection method: clinical testing. Allele origin: germline.

First Genomix Gene Laboratory, Genetic Diagnostics Department
Classification: Pathogenic for Fetal akinesia deformation sequence 3; Congenital myasthenic syndrome 10. Last evaluated: 2025-07-15. Review status: criteria provided, single submitter. Criteria: ACMG Guidelines, 2015. Collection method: clinical testing. Allele origin: germline. Inheritance: Autosomal recessive inheritance. Affected: no. Observed: 1 variant allele.

Revvity Omics, Revvity
Classification: Pathogenic. Last evaluated: 2025-07-01. Review status: criteria provided, single submitter. Criteria: ACMG Guidelines, 2015. Collection method: clinical testing. Allele origin: germline.

Center for Genomic Medicine, Rigshospitalet, Copenhagen University Hospital
Classification: Pathogenic. Last evaluated: 2025-03-04. Review status: criteria provided, single submitter. Criteria: ACMG Guidelines, 2015. Collection method: clinical testing. Allele origin: germline.

Blueprint Genetics
Classification: Pathogenic for DOK7-related disorders. Last evaluated: 2024-11-25. Review status: criteria provided, single submitter. Criteria: ACMG Guidelines, 2015. Collection method: clinical testing. Allele origin: germline. Affected: yes. Observed: 5 variant alleles.

Mayo Clinic Laboratories, Mayo Clinic
Classification: Pathogenic. Last evaluated: 2024-11-19. Review status: criteria provided, single submitter. Criteria: ACMG Guidelines, 2015. Collection method: clinical testing. Allele origin: germline. Observed: 19 variant alleles.
Comment: PP1, PP5, PM3, PS3, PS4, PVS1_strong

Dubai Health Genomic Medicine Center, Dubai Health
Classification: Pathogenic for Fetal akinesia deformation sequence 3. Last evaluated: 2024-10-04. Review status: criteria provided, single submitter. Criteria: ACMG Guidelines, 2015. Collection method: research. Allele origin: germline. Affected: yes.
Comment: PVS1,PM2,PM3 (moderate)

Baylor Genetics
Classification: Pathogenic for Fetal akinesia deformation sequence 3. Last evaluated: 2024-03-27. Review status: criteria provided, single submitter. Criteria: ACMG Guidelines, 2015. Collection method: clinical testing. Allele origin: unknown.

Fulgent Genetics
Classification: Pathogenic for Congenital myasthenic syndrome 10; Fetal akinesia deformation sequence 3. Last evaluated: 2024-02-29. Review status: criteria provided, single submitter. Criteria: ACMG Guidelines, 2015. Collection method: clinical testing. Allele origin: germline.

Women's Health and Genetics/Laboratory Corporation of America, LabCorp
Classification: Pathogenic for Congenital myasthenic syndrome. Last evaluated: 2023-11-03. Review status: criteria provided, single submitter. Criteria: LabCorp Variant Classification Summary - May 2015. Collection method: clinical testing. Allele origin: germline.
Comment: Variant summary: DOK7 c.1124_1127dupTGCC (p.Ala378SerfsX30) results in a premature termination codon affecting the last 127 codons in the last exon of the encoded protein. Although nonsense mediated decay is not expected to occur, truncations are commonly known mechanisms for disease. The variant allele was found at a frequency of 0.00064 in 193594 control chromosomes in the gnomAD database, including 1 homozygotes. This frequency is not significantly higher than estimated for a pathogenic variant in DOK7 causing Congenital Myasthenic Syndrome (0.00064 vs 0.0014), allowing no conclusion about variant significance. c.1124_1127dupTGCC has been reported in the literature in multiple compound heterozygous and homozygous individuals affected with Dok-7 myasthenia (e.g. Selcen_2008). These data indicate that the variant is very likely to be associated with disease. One publication reports in vitro experimental evidence evaluating an impact on protein function, however, additional evidence is needed to provide convincing conclusions about the variant effect in vivo (e.g. Hamuro_2008). The following publications have been ascertained in the context of this evaluation (PMID: 18165682, 18626973). 17 submitters have cited clinical-significance assessments for this variant to ClinVar after 2014. All submitters classified the variant as pathogenic. Based on the evidence outlined above, the variant was classified as pathogenic.

Kariminejad - Najmabadi Pathology & Genetics Center
Classification: Pathogenic for Congenital myasthenic syndrome 10. Last evaluated: 2023-10-22. Review status: criteria provided, single submitter. Criteria: ACMG Guidelines, 2015. Collection method: clinical testing. Allele origin: germline. Inheritance: Autosomal recessive inheritance. Affected: yes. Observed: 3 variant alleles.
Comment: PVS1_strong,PM2,PM3_very strong,PP5

NM_173660.5(DOK7):c.1124_1127dup (p.Ala378fs)

Gene: DOK7 (docking protein 7; plus strand). Cytogenetic location: 4p16.3.
Variant type: Duplication.
Coding change: c.1124_1127dup on transcript NM_173660.5 (MANE Select); coding-DNA positions 1124 to 1127, 4 bases duplicated (TGCC; older notation c.1124_1127dupTGCC).
Protein change: p.Ala378fs; shifts the reading frame from alanine 378.
Molecular consequence: frameshift variant. On other transcripts: 3 prime UTR variant (1).
Genome position (GRCh38, 1-based): chr4:3,493,110-3,493,113, TGCC duplicated; duplicating any 4 consecutive bases within chr4:3,493,107-3,493,113 gives the same sequence; the c. name uses the placement nearest the transcript's 3' end. VCF-style (leftmost placement, unchanged base first): chr4-3493106-A-AGCCT. GRCh37 (hg19) VCF-style: chr4-3494833-A-AGCCT.
Other names: p.Ala378SerfsX30; p.Ala378Serfs*30; c.1120_1121insGCCT (NM_173660.5); c.*345_*348dup (NM_001164673.2); c.194_197dup, p.Ala68fs (NM_001256896.2); c.1124_1127dup, p.Ala378fs (NM_001301071.2); c.692_695dup, p.Ala234fs (NM_001363811.2); c.1124_1127dupTGCC (NM_173660.5); short protein forms A234fs, A378fs, A68fs.
Identifiers: ClinVar variation 1273 (VCV000001273.117), dbSNP rs606231128, ClinGen allele CA249193.